The following is an entry in ClinVar:

NM_004168.4(SDHA):c.1375G>A (p.Asp459Asn)

Gene: SDHA (succinate dehydrogenase complex flavoprotein subunit A; plus strand). Cytogenetic location: 5p15.33.
Variant type: single nucleotide variant.
Coding change: c.1375G>A on transcript NM_004168.4 (MANE Select); coding-DNA position 1375, G replaced by A.
Protein change: p.Asp459Asn; replaces aspartic acid 459 with asparagine.
Molecular consequence: missense variant.
Genome position (GRCh38, 1-based): chr5:236,542, G>A. VCF-style: chr5-236542-G-A. GRCh37 (hg19) VCF-style: chr5-236657-G-A.
Other names: c.1231G>A, p.Asp411Asn (NM_001294332.2); c.1375G>A, p.Asp459Asn (NM_001330758.2); short protein forms D411N, D459N.
Identifiers: ClinVar variation 3754200 (VCV003754200.2).

ClinVar aggregate classification (germline): Uncertain significance (1 of 4 stars; one submission).

Conditions:
Mitochondrial complex II deficiency, nuclear type 1. Also called: SUCCINATE CoQ REDUCTASE DEFICIENCY. Identifiers: Orphanet 3208, MedGen C5700310, MONDO:0100294, OMIM 252011.
Pheochromocytoma/paraganglioma syndrome 5. Also called: Paragangliomas 5; SDHA-Related Hereditary Paraganglioma-Pheochromocytoma Syndrome. Identifiers: Orphanet 29072, MedGen C3279992, MONDO:0013602, OMIM 614165.

Submission:

Labcorp Genetics (formerly Invitae), Labcorp
Classification: Uncertain significance for Pheochromocytoma/paraganglioma syndrome 5; Mitochondrial complex II deficiency, nuclear type 1. Last evaluated: 2024-05-19. Review status: criteria provided, single submitter. Criteria: Invitae Variant Classification Sherloc (09022015). Collection method: clinical testing. Allele origin: germline.
Comment: This sequence change replaces aspartic acid, which is acidic and polar, with asparagine, which is neutral and polar, at codon 459 of the SDHA protein (p.Asp459Asn). This variant is not present in population databases (gnomAD no frequency). This variant has not been reported in the literature in individuals affected with SDHA-related conditions. Advanced modeling of protein sequence and biophysical properties (such as structural, functional, and spatial information, amino acid conservation, physicochemical variation, residue mobility, and thermodynamic stability) performed at Invitae indicates that this missense variant is not expected to disrupt SDHA protein function with a negative predictive value of 95%. In summary, the available evidence is currently insufficient to determine the role of this variant in disease. Therefore, it has been classified as a Variant of Uncertain Significance.